The following is an entry in ClinVar:

NM_024675.4(PALB2):c.962del (p.Asn320_Leu321insTer)

Gene: PALB2 (partner and localizer of BRCA2; minus strand). Cytogenetic location: 16p12.2.
Variant type: Deletion.
Coding change: c.962del on transcript NM_024675.4 (MANE Select); coding-DNA position 962, one base deleted (T; older notation c.962delT).
Protein change: p.Asn320_Leu321insTer.
Molecular consequence: nonsense. On other transcripts: frameshift variant (15).
Genome position (GRCh38, 1-based): chr16:23,635,584, A deleted on the plus strand (T on the coding strand, the reverse complement: PALB2 is on the minus strand); the first of 3 consecutive A bases (chr16:23,635,584-23,635,586); deleting any one gives the same sequence. VCF-style (leftmost placement, unchanged base first): chr16-23635583-TA-T. GRCh37 (hg19) VCF-style: chr16-23646904-TA-T.
Other names: c.900delT, p.Leu301Terfs (NM_001407296.1); c.960delT, p.Leu321Terfs (NM_001407297.1, NM_001407298.1, NM_001407299.1 and 3 more transcripts); c.75delT, p.Leu26Terfs (NM_001407304.1, NM_001407305.1, NM_001407306.1 and 5 more transcripts).
Identifiers: ClinVar variation 2017002 (VCV002017002.4), dbSNP rs2506494090, ClinGen allele CA2580091327.

ClinVar aggregate classification (germline): Pathogenic (1 of 4 stars; one submission).

Conditions:
Familial cancer of breast. Also called: Hereditary breast cancer; BREAST CANCER, FAMILIAL; hereditary breast carcinoma. Identifiers: Orphanet 227535, MedGen C0346153, MONDO:0016419, OMIM 114480. Disease mechanism: loss of function.

Submission:

Labcorp Genetics (formerly Invitae), Labcorp
Classification: Pathogenic for Familial cancer of breast. Last evaluated: 2022-07-14. Review status: criteria provided, single submitter. Criteria: Invitae Variant Classification Sherloc (09022015). Collection method: clinical testing. Allele origin: germline.
Comment: For these reasons, this variant has been classified as Pathogenic. This variant has not been reported in the literature in individuals affected with PALB2-related conditions. This variant is not present in population databases (gnomAD no frequency). This sequence change creates a premature translational stop signal (p.Leu321*) in the PALB2 gene. It is expected to result in an absent or disrupted protein product. Loss-of-function variants in PALB2 are known to be pathogenic (PMID: 17200668, 17200671, 17200672, 24136930, 25099575).

Literature cited by the submitters: PubMed 17200668; PubMed 17200671; PubMed 17200672; PubMed 24136930; PubMed 25099575.